The following is an entry in ClinVar:

ClinVar aggregate classification (germline): Pathogenic (1 of 4 stars; one submission).

Conditions:
Familial adenomatous polyposis 1 (FAP1). Also called: FAMILIAL ADENOMATOUS POLYPOSIS 1, ATTENUATED; POLYPOSIS, ADENOMATOUS INTESTINAL. Identifiers: MedGen C2713442, MONDO:0021056, OMIM 175100. Disease mechanism: loss of function.

Submission:

Labcorp Genetics (formerly Invitae), Labcorp
Classification: Pathogenic for Familial adenomatous polyposis 1. Last evaluated: 2024-01-28. Review status: criteria provided, single submitter. Criteria: Invitae Variant Classification Sherloc (09022015). Collection method: clinical testing. Allele origin: germline.
Comment: This sequence change creates a premature translational stop signal (p.Pro1409Thrfs*14) in the APC gene. While this is not anticipated to result in nonsense mediated decay, it is expected to disrupt the last 1435 amino acid(s) of the APC protein. This variant is not present in population databases (gnomAD no frequency). This variant has not been reported in the literature in individuals affected with APC-related conditions. A different truncation (p.Tyr2645Lysfs*14) that lies downstream of this variant has been determined to be pathogenic (PMID: 9824584, 1316610, 27081525, 8381579, 22135120, Invitae). This suggests that deletion of this region of the APC protein is causative of disease. For these reasons, this variant has been classified as Pathogenic.

Literature cited by the submitters: PubMed 9824584; PubMed 1316610; PubMed 27081525; PubMed 8381579; PubMed 22135120.

NM_000038.6(APC):c.4224dup (p.Pro1409fs)

Gene: APC (APC regulator of Wnt signaling pathway; plus strand). Cytogenetic location: 5q22.2.
Variant type: Duplication.
Coding change: c.4224dup on transcript NM_000038.6 (MANE Select); coding-DNA position 4224, one base duplicated (A; older notation c.4224dupA).
Protein change: p.Pro1409fs; shifts the reading frame from proline 1409.
Molecular consequence: frameshift variant. On other transcripts: non-coding transcript variant (2).
Genome position (GRCh38, 1-based): chr5:112,839,818, A duplicated; the last of 2 consecutive A bases (chr5:112,839,817-112,839,818); duplicating either gives the same sequence. VCF-style (leftmost placement, unchanged base first): chr5-112839816-G-GA. GRCh37 (hg19) VCF-style: chr5-112175513-G-GA.
Other names: c.4224dup, p.Pro1409fs (NM_001127510.3, NM_001354895.2, NM_001407450.1); c.4170dup, p.Pro1391fs (NM_001127511.3); c.4278dup, p.Pro1427fs (NM_001354896.2, NM_001407447.1, NM_001407448.1 and 1 more transcripts); c.4254dup, p.Pro1419fs (NM_001354897.2); c.4149dup, p.Pro1384fs (NM_001354898.2); c.4140dup, p.Pro1381fs (NM_001354899.2); c.4101dup, p.Pro1368fs (NM_001354900.2); c.4047dup, p.Pro1350fs (NM_001354901.2, NM_001407453.1); and 11 more; short protein forms P1249fs, P1308fs, P1326fs, P1368fs, P1437fs, P1025fs, P1126fs, P1350fs.
Identifiers: ClinVar variation 2713926 (VCV002713926.3), dbSNP rs2533557906, ClinGen allele CA2697546415.
Genomic context (GRCh38, chr5:112,839,816, plus strand): 5'-ACTTCTGTCAGTTCACTTGATAGTTTTGAGAGTCGTTCGATTGCCAGCTCCGTTCAGAGT[G>GA]AACCATGCAGTGGAATGGTAAGTGGCATTATAAGCCCCAGTGATCTTCCAGATAGCCCTG-3'